The following is an entry in ClinVar:

ClinVar aggregate classification (germline): Uncertain significance (1 of 4 stars; one submission).

Conditions:
Welander distal myopathy (WDM). Also called: Gower's muscular dystrophy; Welander distal myopathy, Swedish type; Distal myopathy, Swedish type; MUSCULAR DYSTROPHY, DISTAL, LATE-ONSET, AUTOSOMAL DOMINANT. Identifiers: Orphanet 603, MedGen C0221054, MONDO:0011466, OMIM 604454.

Allele frequency attached by ClinVar (database versions not stated): TOPMed below 0.00001; ESP Exome Variant Server 0.00008.
gnomAD v4.1: 2 of 1,596,964 alleles (0.00013%); highest among the groups gnomAD compares: Non-Finnish European, 0.00017%; no homozygotes.

Submission:

Labcorp Genetics (formerly Invitae), Labcorp
Classification: Uncertain significance for Welander distal myopathy. Last evaluated: 2019-06-26. Review status: criteria provided, single submitter. Criteria: Invitae Variant Classification Sherloc (09022015). Collection method: clinical testing. Allele origin: germline.
Comment: This variant is not present in population databases (ExAC no frequency). This sequence change replaces aspartic acid with valine at codon 104 of the TIA1 protein (p.Asp104Val). The aspartic acid residue is moderately conserved and there is a large physicochemical difference between aspartic acid and valine. This variant has not been reported in the literature in individuals with TIA1-related disease. In summary, the available evidence is currently insufficient to determine the role of this variant in disease. Therefore, it has been classified as a Variant of Uncertain Significance. Algorithms developed to predict the effect of missense changes on protein structure and function (SIFT, PolyPhen-2, Align-GVGD) all suggest that this variant is likely to be tolerated, but these predictions have not been confirmed by published functional studies and their clinical significance is uncertain.

NM_022173.4(TIA1):c.311A>T (p.Asp104Val)

Gene: TIA1 (TIA1 cytotoxic granule associated RNA binding protein; minus strand). Cytogenetic location: 2p13.3.
Variant type: single nucleotide variant.
Coding change: c.311A>T on transcript NM_022173.4 (MANE Select); coding-DNA position 311, A replaced by T.
Protein change: p.Asp104Val; replaces aspartic acid 104 with valine.
Molecular consequence: missense variant. On other transcripts: 5 prime UTR variant (3), non-coding transcript variant (17).
Genome position (GRCh38, 1-based): chr2:70,227,822, T>A on the plus strand (A>T on the coding strand, the complement: TIA1 is on the minus strand). VCF-style: chr2-70227822-T-A. GRCh37 (hg19) VCF-style: chr2-70454954-T-A.
Other names: c.311A>T, p.Asp104Val (NM_001351508.2, NM_001351516.2, NM_001351518.2 and 2 more transcripts); c.284A>T, p.Asn95Ile (NM_001351509.2); c.278A>T, p.Asn93Ile (NM_001351510.2, NM_001351521.2, NM_022037.4); c.200A>T, p.Asp67Val (NM_001351511.1); c.173A>T, p.Asn58Ile (NM_001351512.1); c.167A>T, p.Asn56Ile (NM_001351513.1); c.83A>T, p.Asn28Ile (NM_001351514.2, NM_001351523.2); c.8A>T, p.Asp3Val (NM_001351515.2); and 4 more; short protein forms D104V, D3V, N93I, I146F, N28I, N58I, N56I, D67V.
Identifiers: ClinVar variation 528490 (VCV000528490.10), dbSNP rs143209672, ClinGen allele CA49636364.